The following is an entry in ClinVar:

NM_006005.3(WFS1):c.2378G>A (p.Arg793His)

Gene: WFS1 (wolframin ER transmembrane glycoprotein; plus strand). Cytogenetic location: 4p16.1.
Variant type: single nucleotide variant.
Coding change: c.2378G>A on transcript NM_006005.3 (MANE Select); coding-DNA position 2378, G replaced by A.
Protein change: p.Arg793His; replaces arginine 793 with histidine.
Molecular consequence: missense variant.
Genome position (GRCh38, 1-based): chr4:6,302,173, G>A. VCF-style: chr4-6302173-G-A. GRCh37 (hg19) VCF-style: chr4-6303900-G-A.
Other names: c.2378G>A, p.Arg793His (NM_001145853.1); short protein forms R793H.
Identifiers: ClinVar variation 2185323 (VCV002185323.4), dbSNP rs763340690, ClinGen allele CA2839710.

ClinVar aggregate classification (germline): Uncertain significance (1 of 4 stars; one submission).

Allele frequency attached by ClinVar (database versions not stated): gnomAD 0.00001; TOPMed 0.00001; ExAC 0.00002.
gnomAD v4.1: 43 of 1,612,532 alleles (0.0027%); highest among the groups gnomAD compares: Non-Finnish European, 0.0033%; no homozygotes.

Submission:

Labcorp Genetics (formerly Invitae), Labcorp
Classification: Uncertain significance. Last evaluated: 2023-08-04. Review status: criteria provided, single submitter. Criteria: Invitae Variant Classification Sherloc (09022015). Collection method: clinical testing. Allele origin: germline.
Comment: This sequence change replaces arginine, which is basic and polar, with histidine, which is basic and polar, at codon 793 of the WFS1 protein (p.Arg793His). This variant is present in population databases (rs763340690, gnomAD 0.007%). This variant has not been reported in the literature in individuals affected with WFS1-related conditions. ClinVar contains an entry for this variant (Variation ID: 2185323). Advanced modeling of protein sequence and biophysical properties (such as structural, functional, and spatial information, amino acid conservation, physicochemical variation, residue mobility, and thermodynamic stability) performed at Invitae indicates that this missense variant is not expected to disrupt WFS1 protein function. In summary, the available evidence is currently insufficient to determine the role of this variant in disease. Therefore, it has been classified as a Variant of Uncertain Significance.